The following is an entry in ClinVar:

NM_000080.4(CHRNE):c.1064G>C (p.Gly355Ala)

Genes: CHRNE (cholinergic receptor nicotinic epsilon subunit; minus strand), LOC130060041 (ATAC-STARR-seq lymphoblastoid silent region 8050; plus strand). Cytogenetic location: 17p13.2.
Variant type: single nucleotide variant.
Coding change: c.1064G>C on transcript NM_000080.4 (MANE Select); coding-DNA position 1064, G replaced by C.
Protein change: p.Gly355Ala; replaces glycine 355 with alanine.
Molecular consequence: missense variant.
Genome position (GRCh38, 1-based): chr17:4,899,353, C>G on the plus strand (G>C on the coding strand, the complement: CHRNE is on the minus strand). VCF-style: chr17-4899353-C-G. GRCh37 (hg19) VCF-style: chr17-4802648-C-G.
Other names: short protein forms G355A.
Identifiers: ClinVar variation 2155680 (VCV002155680.2), dbSNP rs1295826534, ClinGen allele CA397300663.
Genomic context (GRCh38, chr17:4,899,353, plus strand): 5'-ACCGACGACGCCCGCCTTGGGGGCGAGGCGGCCCGGGGGGCCTCGGGCGGCGGCGGGGAG[C>G]CCAGGAGGCGCGGCAGCAGCTCCAGGAGAACCTGGGGCAGGGGCGGGGCTTAGGGGACGA-3'
Protein context (NP_000071.1, residues 345-365): VLLELLPRLL[Gly355Ala]SPPPPEAPRA

ClinVar aggregate classification (germline): Uncertain significance. Review status: criteria provided, multiple submitters, no conflicts (2 of 4 stars). 2 submissions from 2 submitters: Uncertain significance (2). Last evaluated 2024-10-07.

Conditions:
Congenital myasthenic syndrome 4A. Also called: Myasthenic syndrome, congenital, 4a, slow-channel; MYASTHENIC SYNDROME, CONGENITAL, 4A, SLOW-CHANNEL, AUTOSOMAL RECESSIVE; CONGENITAL MYASTHENIC SYNDROME TYPE Ia1. Identifiers: Orphanet 590, MedGen C4225413, MONDO:0011600, OMIM 605809.

gnomAD v4.1: 3 of 1,538,990 alleles (0.00019%); highest among the groups gnomAD compares: Non-Finnish European, 0.00026%; no homozygotes.

Submissions (2):

Women's Health and Genetics/Laboratory Corporation of America, LabCorp
Classification: Uncertain significance. Last evaluated: 2024-10-07. Review status: criteria provided, single submitter. Criteria: LabCorp Variant Classification Summary - May 2015. Collection method: clinical testing. Allele origin: germline.
Comment: Variant summary: CHRNE c.1064G>C (p.Gly355Ala) results in a non-conservative amino acid change located in the Neurotransmitter-gated ion-channel transmembrane domain (IPR006029) of the encoded protein sequence. Four of four in-silico tools predict a damaging effect of the variant on protein function. The variant allele was found at a frequency of 7.3e-06 in 137182 control chromosomes. The available data on variant occurrences in the general population are insufficient to allow any conclusion about variant significance. To our knowledge, no occurrence of c.1064G>C in individuals affected with Congenital Myasthenic Syndrome and no experimental evidence demonstrating its impact on protein function have been reported. ClinVar contains an entry for this variant (Variation ID: 2155680). Based on the evidence outlined above, the variant was classified as uncertain significance.

Labcorp Genetics (formerly Invitae), Labcorp
Classification: Uncertain significance for Congenital myasthenic syndrome 4A. Last evaluated: 2022-07-12. Review status: criteria provided, single submitter. Criteria: Invitae Variant Classification Sherloc (09022015). Collection method: clinical testing. Allele origin: germline.
Comment: This sequence change replaces glycine, which is neutral and non-polar, with alanine, which is neutral and non-polar, at codon 355 of the CHRNE protein (p.Gly355Ala). This variant is present in population databases (no rsID available, gnomAD 0.002%). This variant has not been reported in the literature in individuals affected with CHRNE-related conditions. Advanced modeling of protein sequence and biophysical properties (such as structural, functional, and spatial information, amino acid conservation, physicochemical variation, residue mobility, and thermodynamic stability) performed at Invitae indicates that this missense variant is not expected to disrupt CHRNE protein function. In summary, the available evidence is currently insufficient to determine the role of this variant in disease. Therefore, it has been classified as a Variant of Uncertain Significance.